The following is an entry in ClinVar:

NM_172362.3(KCNH1):c.1796C>T (p.Thr599Met)

Gene: KCNH1 (potassium voltage-gated channel subfamily H member 1; minus strand). Cytogenetic location: 1q32.2.
Variant type: single nucleotide variant.
Coding change: c.1796C>T on transcript NM_172362.3 (MANE Select); coding-DNA position 1796, C replaced by T.
Protein change: p.Thr599Met; replaces threonine 599 with methionine.
Molecular consequence: missense variant.
Genome position (GRCh38, 1-based): chr1:210,797,627, G>A on the plus strand (C>T on the coding strand, the complement: KCNH1 is on the minus strand). VCF-style: chr1-210797627-G-A. GRCh37 (hg19) VCF-style: chr1-210970969-G-A.
Other names: c.1796C>T (NM_172362.2); c.1715C>T, p.Thr572Met (NM_002238.4); short protein forms T572M, T599M.
Identifiers: ClinVar variation 2038250 (VCV002038250.12), dbSNP rs759002369, ClinGen allele CA1379825.

ClinVar aggregate classification (germline): Conflicting classifications of pathogenicity. Review status: criteria provided, conflicting classifications (1 of 4 stars). 3 submissions from 3 submitters: Uncertain significance (1); Likely benign (2). Last evaluated 2025-12-08.

Conditions:
Inborn genetic diseases. Identifiers: MedGen C0950123, MeSH D030342.

Allele frequency attached by ClinVar (database versions not stated): TOPMed 0.00002; gnomAD 0.00003; gnomAD exomes 0.00003; ExAC 0.00005.
gnomAD v4.1: 56 of 1,614,222 alleles (0.0035%); highest among the groups gnomAD compares: Middle Eastern, 0.016%; no homozygotes.

Submissions (3):

Labcorp Genetics (formerly Invitae), Labcorp
Classification: Uncertain significance. Last evaluated: 2025-12-08. Review status: criteria provided, single submitter. Criteria: Invitae Variant Classification Sherloc (09022015). Collection method: clinical testing. Allele origin: germline.
Comment: This sequence change replaces threonine, which is neutral and polar, with methionine, which is neutral and non-polar, at codon 599 of the KCNH1 protein (p.Thr599Met). This variant is present in population databases (rs759002369, gnomAD 0.02%), and has an allele count higher than expected for a pathogenic variant. This variant has not been reported in the literature in individuals affected with KCNH1-related conditions. ClinVar contains an entry for this variant (Variation ID: 2038250). Invitae Evidence Modeling of protein sequence and biophysical properties (such as structural, functional, and spatial information, amino acid conservation, physicochemical variation, residue mobility, and thermodynamic stability) has been performed for this missense variant. However, the output from this modeling did not meet the statistical confidence thresholds required to predict the impact of this variant on KCNH1 protein function. In summary, the available evidence is currently insufficient to determine the role of this variant in disease. Therefore, it has been classified as a Variant of Uncertain Significance.

CeGaT Center for Human Genetics Tuebingen
Classification: Likely benign. Last evaluated: 2025-03-01. Review status: criteria provided, single submitter. Criteria: CeGaT Center For Human Genetics Tuebingen Variant Classification Criteria Version 2. Collection method: clinical testing. Allele origin: germline. Affected: yes. Observed: 1 variant allele.
Comment: KCNH1: BS2

Ambry Genetics
Classification: Likely benign for Inborn genetic diseases. Last evaluated: 2023-11-09. Review status: criteria provided, single submitter. Criteria: Ambry Variant Classification Scheme 2023. Collection method: clinical testing. Allele origin: germline.